The following is an entry in ClinVar:

ClinVar aggregate classification (germline): Likely benign. Review status: criteria provided, multiple submitters, no conflicts (2 of 4 stars). 2 submissions from 2 submitters: Likely benign (2). Last evaluated 2024-02-08.

Conditions:
Dilated cardiomyopathy 1G (CMD1G). Identifiers: Orphanet 154, MedGen C1858763, MONDO:0011400, OMIM 604145.
Autosomal recessive limb-girdle muscular dystrophy type 2J (LGMDR10). Also called: Limb-girdle muscular dystrophy, type 2J; MUSCULAR DYSTROPHY, LIMB-GIRDLE, AUTOSOMAL RECESSIVE 10. Identifiers: Orphanet 140922, MedGen C1837342, MONDO:0012127, OMIM 608807.

Allele frequency attached by ClinVar (database versions not stated): gnomAD exomes below 0.00001; ExAC 0.00001; gnomAD 0.00001; TOPMed 0.00002; ESP Exome Variant Server 0.00008.
gnomAD v4.1: 3 of 1,613,558 alleles (0.00019%); highest among the groups gnomAD compares: African/African-American, 0.0027%; no homozygotes.

Submissions (2):

Labcorp Genetics (formerly Invitae), Labcorp
Classification: Likely benign for Dilated cardiomyopathy 1G; Autosomal recessive limb-girdle muscular dystrophy type 2J. Last evaluated: 2024-02-08. Review status: criteria provided, single submitter. Criteria: Invitae Variant Classification Sherloc (09022015). Collection method: clinical testing. Allele origin: germline.

Laboratory for Molecular Medicine, Mass General Brigham Personalized Medicine
Classification: Likely benign. Last evaluated: 2012-03-19. Review status: criteria provided, single submitter. Criteria: LMM Criteria. Collection method: clinical testing. Allele origin: germline. Observed: 1 variant allele.
Comment: p.Tyr7445Tyr in Exon 87 of TTN: This variant is not expected to have clinical si gnificance because it does not alter an amino acid residue, is not located withi n the splice consensus sequence. It has been identified in 1/3190 African Americ an chromosomes from a broad population by the NHLBI Exome Sequencing Project.

NM_001267550.2(TTN):c.26067C>T (p.Tyr8689=)

Gene: TTN (titin; minus strand). Cytogenetic location: 2q31.2.
Variant type: single nucleotide variant.
Coding change: c.26067C>T on transcript NM_001267550.2 (MANE Select); coding-DNA position 26067, C replaced by T.
Protein change: p.Tyr8689=; no amino-acid change (tyrosine 8689 retained).
Molecular consequence: synonymous variant. On other transcripts: intron variant (3).
Genome position (GRCh38, 1-based): chr2:178,715,119, G>A on the plus strand (C>T on the coding strand, the complement: TTN is on the minus strand). VCF-style: chr2-178715119-G-A. GRCh37 (hg19) VCF-style: chr2-179579846-G-A.
Other names: c.25116C>T, p.Tyr8372= (NM_001256850.1); c.13282+22963C>T (NM_003319.4); c.13858+22963C>T (NM_133437.4); c.13657+22963C>T (NM_133432.3); c.22335C>T, p.Tyr7445= (NM_133378.4).
Identifiers: ClinVar variation 46772 (VCV000046772.14), dbSNP rs377125716, ClinGen allele CA139167.